The following is an entry in ClinVar:

NM_001378615.1(CC2D2A):c.173del (p.Gly58fs)

Genes: CC2D2A (coiled-coil and C2 domain containing 2A; plus strand), FBXL5 (F-box and leucine rich repeat protein 5; minus strand). Cytogenetic location: 4p15.32.
Variant type: Deletion.
Coding change: c.173del on transcript NM_001378615.1 (MANE Select); coding-DNA position 173, one base deleted (G; older notation c.173delG).
Protein change: p.Gly58fs; shifts the reading frame from glycine 58.
Molecular consequence: frameshift variant.
Genome position (GRCh38, 1-based): chr4:15,480,753, G deleted; the last of 2 consecutive G bases (chr4:15,480,752-15,480,753); deleting either gives the same sequence. VCF-style (leftmost placement, unchanged base first): chr4-15480751-TG-T. GRCh37 (hg19) VCF-style: chr4-15482375-TG-T.
Other names: c.173del, p.Gly58fs (NM_001080522.2, NM_001164720.3); c.26del, p.Gly9fs (NM_001378617.1); c.279del, p.Trp93fs (NM_020785.2); short protein forms G58fs, G9fs, W93fs.
Identifiers: ClinVar variation 2943263 (VCV002943263.3), dbSNP rs2474830777, ClinGen allele CA2740091208.
Genomic context (GRCh38, chr4:15,480,751, plus strand): 5'-CTTCTTCCTCCAGCCACCAACTGCTGTCCCCAAGGAAATGGTGTCCGAAAAATCCCACCT[TG>T]GCAACCCCCAGGAGCCTGTGCAGGAGGAGCCCAAGACCCGCCTCCTGAGTATGACAGTCC-3'

ClinVar aggregate classification (germline): Pathogenic (1 of 4 stars; one submission).

Conditions:
Joubert syndrome. Also called: JOUBERT-BOLTSHAUSER SYNDROME; Familial aplasia of the vermis. Identifiers: Orphanet 475, MedGen C5979921, MONDO:0018772.
Meckel-Gruber syndrome. Also called: DYSENCEPHALIA SPLANCHNOCYSTICA; GRUBER SYNDROME; Dysencephalia splachnocystica. Identifiers: Orphanet 564, MedGen C0265215, MONDO:0018921.

Submission:

Labcorp Genetics (formerly Invitae), Labcorp
Classification: Pathogenic for Joubert syndrome; Meckel-Gruber syndrome. Last evaluated: 2023-01-16. Review status: criteria provided, single submitter. Criteria: Invitae Variant Classification Sherloc (09022015). Collection method: clinical testing. Allele origin: germline.
Comment: This sequence change creates a premature translational stop signal (p.Gly58Alafs*16) in the CC2D2A gene. It is expected to result in an absent or disrupted protein product. Loss-of-function variants in CC2D2A are known to be pathogenic (PMID: 19777577). For these reasons, this variant has been classified as Pathogenic. This variant has not been reported in the literature in individuals affected with CC2D2A-related conditions. This variant is not present in population databases (gnomAD no frequency).

Literature cited by the submitters: PubMed 19777577.